The following is an entry in ClinVar:

NM_019032.6(ADAMTSL4):c.923del (p.Gly308fs)

Genes: ADAMTSL4 (ADAMTS like 4; plus strand), ADAMTSL4-AS2 (ADAMTSL4 antisense RNA 2; minus strand). Cytogenetic location: 1q21.2.
Variant type: Deletion.
Coding change: c.923del on transcript NM_019032.6 (MANE Select); coding-DNA position 923, one base deleted (G; older notation c.923delG).
Protein change: p.Gly308fs; shifts the reading frame from glycine 308.
Molecular consequence: frameshift variant.
Genome position (GRCh38, 1-based): chr1:150,553,914, G deleted; the last of 4 consecutive G bases (chr1:150,553,911-150,553,914); deleting any one gives the same sequence. VCF-style (leftmost placement, unchanged base first): chr1-150553910-CG-C. GRCh37 (hg19) VCF-style: chr1-150526386-CG-C.
Other names: c.923del, p.Gly308fs (NM_001288607.2, NM_001288608.2, NM_001378596.1 and 1 more transcripts); short protein forms G308fs.
Identifiers: ClinVar variation 2755692 (VCV002755692.3), dbSNP rs2526615995, ClinGen allele CA2697554519.

ClinVar aggregate classification (germline): Pathogenic (1 of 4 stars; one submission).

Submission:

Labcorp Genetics (formerly Invitae), Labcorp
Classification: Pathogenic. Last evaluated: 2023-06-01. Review status: criteria provided, single submitter. Criteria: Invitae Variant Classification Sherloc (09022015). Collection method: clinical testing. Allele origin: germline.
Comment: For these reasons, this variant has been classified as Pathogenic. This variant has not been reported in the literature in individuals affected with ADAMTSL4-related conditions. This variant is not present in population databases (gnomAD no frequency). This sequence change creates a premature translational stop signal (p.Gly308Alafs*35) in the ADAMTSL4 gene. It is expected to result in an absent or disrupted protein product. Loss-of-function variants in ADAMTSL4 are known to be pathogenic (PMID: 20564469, 28642162).

Literature cited by the submitters: PubMed 20564469; PubMed 28642162.